The following is an entry in ClinVar:

NM_001999.4(FBN2):c.4853G>A (p.Cys1618Tyr)

Gene: FBN2 (fibrillin 2; minus strand). Cytogenetic location: 5q23.3.
Variant type: single nucleotide variant.
Coding change: c.4853G>A on transcript NM_001999.4 (MANE Select); coding-DNA position 4853, G replaced by A.
Protein change: p.Cys1618Tyr; replaces cysteine 1618 with tyrosine.
Molecular consequence: missense variant.
Genome position (GRCh38, 1-based): chr5:128,312,660, C>T on the plus strand (G>A on the coding strand, the complement: FBN2 is on the minus strand). VCF-style: chr5-128312660-C-T. GRCh37 (hg19) VCF-style: chr5-127648352-C-T.
Other names: short protein forms C1618Y.
Identifiers: ClinVar variation 4841636 (VCV004841636.1).
Genomic context (GRCh38, chr5:128,312,660, plus strand): 5'-TGGTTTTCTTCCTCTTCTTCAGCTTTGTACTTACTGCTATTGACAGGGGGGCATGTCTCA[C>T]AGGGGTTTCCCCAGGCCTTTCCCAGAGAGCAGCAGCATGAAGAGCGACTGACGCCCACCC-3'
Protein context (NP_001990.2, residues 1608-1628): CSLGKAWGNP[Cys1618Tyr]ETCPPVNSTE

ClinVar aggregate classification (germline): Uncertain significance (1 of 4 stars; one submission).

Conditions:
Familial thoracic aortic aneurysm and aortic dissection (TAAD). Also called: Thoracic aortic aneurysms and dissections. Identifiers: Orphanet 91387, MedGen C4707243, MONDO:0019625.

gnomAD v4.1: 1 of 1,614,090 alleles (0.000062%); no homozygotes.

Submission:

Ambry Genetics
Classification: Uncertain significance for Familial thoracic aortic aneurysm and aortic dissection. Last evaluated: 2026-01-12. Review status: criteria provided, single submitter. Criteria: Ambry Variant Classification Scheme 2023. Collection method: clinical testing. Allele origin: germline.
Comment: The p.C1618Y variant (also known as c.4853G>A), located in coding exon 37 of the FBN2 gene, results from a G to A substitution at nucleotide position 4853. The cysteine at codon 1618 is replaced by tyrosine, an amino acid with highly dissimilar properties. This amino acid position is conserved. In addition, this alteration is predicted to be deleterious by in silico analysis. Based on the available evidence, the clinical significance of this variant remains unclear.